The following is an entry in ClinVar:

NM_000264.5(PTCH1):c.4003A>C (p.Asn1335His)

Gene: PTCH1 (patched 1; minus strand). Cytogenetic location: 9q22.32.
Variant type: single nucleotide variant.
Coding change: c.4003A>C on transcript NM_000264.5 (MANE Select); coding-DNA position 4003, A replaced by C.
Protein change: p.Asn1335His; replaces asparagine 1335 with histidine.
Molecular consequence: missense variant. On other transcripts: non-coding transcript variant (1).
Genome position (GRCh38, 1-based): chr9:95,447,253, T>G on the plus strand (A>C on the coding strand, the complement: PTCH1 is on the minus strand). VCF-style: chr9-95447253-T-G. GRCh37 (hg19) VCF-style: chr9-98209535-T-G.
Other names: c.3805A>C, p.Asn1269His (NM_001083602.3); c.4000A>C, p.Asn1334His (NM_001083603.3); c.3550A>C, p.Asn1184His (NM_001083604.3, NM_001083605.3, NM_001083606.3 and 1 more transcripts); c.3847A>C, p.Asn1283His (NM_001354918.2); short protein forms N1184H, N1269H, N1283H, N1334H, N1335H.
Identifiers: ClinVar variation 3231038 (VCV003231038.2), dbSNP rs1838020531, ClinGen allele CA374110499.

ClinVar aggregate classification (germline): Uncertain significance. Review status: criteria provided, multiple submitters, no conflicts (2 of 4 stars). 2 submissions from 2 submitters: Uncertain significance (2). Last evaluated 2024-03-21.

Conditions:
Basal cell carcinoma, susceptibility to, 1. Also called: BCC1. Identifiers: MedGen C2751544, MONDO:0011556, OMIM 605462.
Hereditary cancer-predisposing syndrome. Also called: Neoplastic Syndromes, Hereditary; Tumor predisposition; Hereditary neoplastic syndrome; Hereditary Cancer Syndrome. Identifiers: Orphanet 140162, MedGen C0027672, MeSH D009386, MONDO:0015356.

Allele frequency attached by ClinVar (database versions not stated): gnomAD exomes below 0.00001; gnomAD 0.00001.
gnomAD v4.1: 2 of 1,612,816 alleles (0.00012%); highest among the groups gnomAD compares: Non-Finnish European, 0.00017%; no homozygotes.

Submissions (2):

Baylor Genetics
Classification: Uncertain significance for Basal cell carcinoma, susceptibility to, 1. Last evaluated: 2024-03-21. Review status: criteria provided, single submitter. Criteria: ACMG Guidelines, 2015. Collection method: clinical testing. Allele origin: unknown.

Ambry Genetics
Classification: Uncertain significance for Hereditary cancer-predisposing syndrome. Last evaluated: 2024-01-05. Review status: criteria provided, single submitter. Criteria: Ambry Variant Classification Scheme 2023. Collection method: clinical testing. Allele origin: germline.
Comment: The p.N1335H variant (also known as c.4003A>C), located in coding exon 23 of the PTCH1 gene, results from an A to C substitution at nucleotide position 4003. The asparagine at codon 1335 is replaced by histidine, an amino acid with similar properties. This amino acid position is conserved. In addition, this alteration is predicted to be tolerated by in silico analysis. Since supporting evidence is limited at this time, the clinical significance of this alteration remains unclear.